The following is an entry in ClinVar:

NM_021830.5(TWNK):c.1000C>T (p.Arg334Ter)

Gene: TWNK (twinkle mtDNA helicase; plus strand). Cytogenetic location: 10q24.31.
Variant type: single nucleotide variant.
Coding change: c.1000C>T on transcript NM_021830.5 (MANE Select); coding-DNA position 1000, C replaced by T.
Protein change: p.Arg334Ter; replaces arginine 334 with a stop codon.
Molecular consequence: nonsense. On other transcripts: non-coding transcript variant (4), intron variant (3).
Genome position (GRCh38, 1-based): chr10:100,989,210, C>T. VCF-style: chr10-100989210-C-T. GRCh37 (hg19) VCF-style: chr10-102748967-C-T.
Other names: c.1000C>T, p.Arg334Ter (NM_001163812.2); c.-119-434C>T (NM_001163814.2, NM_001163813.2); c.-57-496C>T (NM_001368275.1); short protein forms R334*.
Identifiers: ClinVar variation 932088 (VCV000932088.3), dbSNP rs776533804, ClinGen allele CA5653147.

ClinVar aggregate classification (germline): Likely pathogenic (1 of 4 stars; one submission).

Submission:

Centre for Mendelian Genomics, University Medical Centre Ljubljana
Classification: Likely pathogenic. Last evaluated: 2019-06-24. Review status: criteria provided, single submitter. Criteria: ACMG Guidelines, 2015. Collection method: clinical testing. Allele origin: unknown. Affected: yes.
Comment: This variant was classified as: Likely pathogenic. The following ACMG criteria were applied in classifying this variant: PVS1,PM2.